The following is an entry in ClinVar:

ClinVar aggregate classification (germline): Uncertain significance (1 of 4 stars; one submission).

Submission:

GeneDx
Classification: Uncertain significance. Last evaluated: 2026-03-18. Review status: criteria provided, single submitter. Criteria: GeneDx Variant Classification Process June 2021. Collection method: clinical testing. Allele origin: germline.
Comment: Not observed at significant frequency in large population cohorts (gnomAD); In silico analysis supports that this missense variant has a deleterious effect on protein structure/function; Has not been previously published as pathogenic or benign to our knowledge

NM_018489.3(ASH1L):c.7420A>C (p.Lys2474Gln)

Gene: ASH1L (ASH1 like histone lysine methyltransferase; minus strand). Cytogenetic location: 1q22.
Variant type: single nucleotide variant.
Coding change: c.7420A>C on transcript NM_018489.3 (MANE Select); coding-DNA position 7420, A replaced by C.
Protein change: p.Lys2474Gln; replaces lysine 2474 with glutamine.
Molecular consequence: missense variant.
Genome position (GRCh38, 1-based): chr1:155,349,543, T>G on the plus strand (A>C on the coding strand, the complement: ASH1L is on the minus strand). VCF-style: chr1-155349543-T-G. GRCh37 (hg19) VCF-style: chr1-155319334-T-G.
Other names: c.7435A>C, p.Lys2479Gln (NM_001366177.2); short protein forms K2474Q, K2479Q.
Identifiers: ClinVar variation 1800491 (VCV001800491.2), dbSNP rs2525715763, ClinGen allele CA342742859.
Genomic context (GRCh38, chr1:155,349,543, plus strand): 5'-AATCTGGCACACTTAGCACTTTTTAAAAACTCAGATGATTCCCACAAATGTGAACCTACT[T>G]TTTCTTTGGGGGAAGGTTCAAAAGTGGAGCTGCCAGTGCTTGCCGGGAAGAATCTGCAAA-3'
Protein context (NP_060959.2, residues 2464-2484): APLLNLPPKK[Lys2474Gln]NADYYEKISD